The following is an entry in ClinVar:

NM_015662.3(IFT172):c.1815T>C (p.Asp605=)

Gene: IFT172 (intraflagellar transport 172; minus strand). Cytogenetic location: 2p23.3.
Variant type: single nucleotide variant.
Coding change: c.1815T>C on transcript NM_015662.3 (MANE Select); coding-DNA position 1815, T replaced by C.
Protein change: p.Asp605=; no amino-acid change (aspartic acid 605 retained).
Molecular consequence: synonymous variant.
Genome position (GRCh38, 1-based): chr2:27,465,760, A>G on the plus strand (T>C on the coding strand, the complement: IFT172 is on the minus strand). VCF-style: chr2-27465760-A-G. GRCh37 (hg19) VCF-style: chr2-27688627-A-G.
Other names: c.1749T>C, p.Asp583= (NM_001410739.1).
Identifiers: ClinVar variation 3346505 (VCV003346505.1).
Genomic context (GRCh38, chr2:27,465,760, plus strand): 5'-AACCAGACTCTCCCACCACCTCACTGGTTATTGGCCAGCCTCTCACCGGATGTAGTTGCC[A>G]TCATCAATGGCTGTTCCAAACTCGATGAGGCCCTCATCCAATGTGTAGGCAACAGTAGTC-3'
Protein context (NP_056477.1, residues 595-615): GLIEFGTAID[Asp605=]GNYIRATAFL

ClinVar aggregate classification (germline): Likely benign (0 of 4 stars; one submission).

Conditions:
IFT172-related disorder. Also called: IFT172-related disorders; IFT172-related condition.

Submission:

PreventionGenetics, part of Exact Sciences
Classification: Likely benign for IFT172-related condition. Last evaluated: 2024-06-07. Review status: no assertion criteria provided. Collection method: clinical testing. Allele origin: germline.
Comment: This variant is classified as likely benign based on ACMG/AMP sequence variant interpretation guidelines (Richards et al. 2015 PMID: 25741868, with internal and published modifications).